The following is an entry in ClinVar:

ClinVar aggregate classification (germline): Uncertain significance. Review status: criteria provided, multiple submitters, no conflicts (2 of 4 stars). 2 submissions from 2 submitters: Uncertain significance (2). Last evaluated 2024-06-02.

Allele frequency attached by ClinVar (database versions not stated): gnomAD exomes below 0.00001; ExAC 0.00001.
gnomAD v4.1: 1 of 1,600,568 alleles (0.000062%); highest among the groups gnomAD compares: Non-Finnish European, 0.000085%; no homozygotes.

Submissions (2):

Labcorp Genetics (formerly Invitae), Labcorp
Classification: Uncertain significance. Last evaluated: 2024-06-02. Review status: criteria provided, single submitter. Criteria: Invitae Variant Classification Sherloc (09022015). Collection method: clinical testing. Allele origin: germline.
Comment: This sequence change replaces glutamine, which is neutral and polar, with arginine, which is basic and polar, at codon 43 of the TRAPPC3 protein (p.Gln43Arg). This variant is present in population databases (rs762824143, gnomAD 0.0009%). This variant has not been reported in the literature in individuals affected with TRAPPC3-related conditions. ClinVar contains an entry for this variant (Variation ID: 2323710). Experimental studies and prediction algorithms are not available or were not evaluated, and the functional significance of this variant is currently unknown. In summary, the available evidence is currently insufficient to determine the role of this variant in disease. Therefore, it has been classified as a Variant of Uncertain Significance.

Ambry Genetics
Classification: Uncertain significance. Last evaluated: 2022-11-08. Review status: criteria provided, single submitter. Criteria: Ambry Variant Classification Scheme 2023. Collection method: clinical testing. Allele origin: germline.

NM_014408.5(TRAPPC3):c.128A>G (p.Gln43Arg)

Gene: TRAPPC3 (trafficking protein particle complex subunit 3; minus strand). Cytogenetic location: 1p34.3.
Variant type: single nucleotide variant.
Coding change: c.128A>G on transcript NM_014408.5 (MANE Select); coding-DNA position 128, A replaced by G.
Protein change: p.Gln43Arg; replaces glutamine 43 with arginine.
Molecular consequence: missense variant. On other transcripts: 5 prime UTR variant (2), intron variant (1).
Genome position (GRCh38, 1-based): chr1:36,140,081, T>C on the plus strand (A>G on the coding strand, the complement: TRAPPC3 is on the minus strand). VCF-style: chr1-36140081-T-C. GRCh37 (hg19) VCF-style: chr1-36605682-T-C.
Other names: c.128A>G, p.Gln43Arg (NM_001270894.2); c.-11A>G (NM_001270895.2, NM_001270896.2); c.43-2103A>G (NM_001270897.2); short protein forms Q43R.
Identifiers: ClinVar variation 2323710 (VCV002323710.4), dbSNP rs762824143, ClinGen allele CA765350.